The following is an entry in ClinVar:

NM_001283009.2(RTEL1):c.2653-3C>T

Genes: RTEL1 (regulator of telomere elongation helicase 1; plus strand), RTEL1-TNFRSF6B (RTEL1-TNFRSF6B readthrough (NMD candidate); plus strand). Cytogenetic location: 20q13.33.
Variant type: single nucleotide variant.
Coding change: c.2653-3C>T on transcript NM_001283009.2 (MANE Select); 3 bases into the intron before coding-DNA position 2653, C replaced by T.
Molecular consequence: intron variant.
Genome position (GRCh38, 1-based): chr20:63,692,802, C>T. VCF-style: chr20-63692802-C-T. GRCh37 (hg19) VCF-style: chr20-62324155-C-T.
Other names: c.1984-3C>T (NM_001283010.1); c.2725-3C>T (NM_032957.5); c.2653-3C>T (NM_016434.4).
Identifiers: ClinVar variation 4789082 (VCV004789082.1).

ClinVar aggregate classification (germline): Uncertain significance (1 of 4 stars; one submission).

Conditions:
Dyskeratosis congenita, autosomal recessive 5 (DKCB5). Identifiers: MedGen C3554656, MONDO:0014076, OMIM 615190.
Pulmonary fibrosis and/or bone marrow failure, Telomere-related, 3. Also called: PULMONARY FIBROSIS AND/OR BONE MARROW FAILURE SYNDROME, TELOMERE-RELATED, 3. Identifiers: Orphanet 2032, MedGen C4225346, MONDO:0014613, OMIM 616373.

gnomAD v4.1: 11 of 1,609,288 alleles (0.00068%); highest among the groups gnomAD compares: Non-Finnish European, 0.00093%; no homozygotes.

Submission:

Labcorp Genetics (formerly Invitae), Labcorp
Classification: Uncertain significance for Dyskeratosis congenita, autosomal recessive 5; Pulmonary fibrosis and/or bone marrow failure, Telomere-related, 3. Last evaluated: 2025-09-09. Review status: criteria provided, single submitter. Criteria: Invitae Variant Classification Sherloc (09022015). Collection method: clinical testing. Allele origin: germline.
Comment: This sequence change falls in intron 28 of the RTEL1 gene. It does not directly change the encoded amino acid sequence of the RTEL1 protein. It affects a nucleotide within the consensus splice site. This variant is present in population databases (rs767768151, gnomAD 0.003%). This variant has not been reported in the literature in individuals affected with RTEL1-related conditions. Variants that disrupt the consensus splice site are a relatively common cause of aberrant splicing (PMID: 17576681, 9536098). Algorithms developed to predict the effect of sequence changes on RNA splicing suggest that this variant is not likely to affect RNA splicing. In summary, the available evidence is currently insufficient to determine the role of this variant in disease. Therefore, it has been classified as a Variant of Uncertain Significance.

Literature cited by the submitters: PubMed 17576681; PubMed 9536098.